The following is an entry in ClinVar:

ClinVar aggregate classification (germline): Pathogenic. Review status: reviewed by expert panel (3 of 4 stars). 2 submissions from 2 submitters: Pathogenic (1). 1 of the submissions does not count toward it. Last evaluated 2024-04-26.

Conditions:
Cerebral creatine deficiency syndrome. Also called: Creatine deficiency syndromes. Identifiers: Orphanet 79172, MedGen C5244016, MONDO:0000456.
Deficiency of guanidinoacetate methyltransferase (CCDS2). Also called: GAMT DEFICIENCY; CEREBRAL CREATINE DEFICIENCY SYNDROME 2; Guanidinoacetate Methyltransferase (GAMT) Deficiency. Identifiers: Orphanet 382, MedGen C0574080, MONDO:0012999, OMIM 612736.

Submissions (2):

ClinGen Cerebral Creatine Deficiency Syndromes Variant Curation Expert Panel, ClinGen
Classification: Pathogenic for Deficiency of guanidinoacetate methyltransferase. Last evaluated: 2024-04-26. Review status: reviewed by expert panel. Criteria: ClinGen_CCDS_ACMG_Specifications_GAMT_v1.1. Collection method: curation. Allele origin: germline. Inheritance: Autosomal recessive inheritance.
Comment: The NM_000156.6:c.432G>A variant in GAMT is a nonsense variant predicted to cause a premature stop codon in biologically relevant exon 4 out of 6, leading to nonsense mediated decay in a gene in which loss-of-function is an established disease mechanism (PVS1). This variant has been previously reported in one individual with GAMT deficiency (PMID: 36911476). This individual had significantly decreased creatine peak on brain MRS (PP4_Moderate). This variant is absent from gnomAD v2.1.1 (PM2_Supporting). There is a ClinVar entry for this variant (Variation ID: 1391239). In summary, this variant meets the criteria to be classified as pathogenic for GAMT deficiency based on the GAMT-specific ACMG/AMP criteria applied, as specified by the ClinGen Cerebral Creatine Deficiency Syndromes Variant Curation Expert Panel (Specifications Version 1.1.0): PVS1, PM2_Supporting, PM3_Supporting, PP4_Moderate. (Classification approved by the ClinGen Cerebral Creatine Deficiency Syndromes Variant Curation Expert Panel on April 26, 2024)

Labcorp Genetics (formerly Invitae), Labcorp
Classification: Pathogenic for Cerebral creatine deficiency syndrome. Last evaluated: 2021-09-17. Review status: criteria provided, single submitter. Criteria: Invitae Variant Classification Sherloc (09022015). Collection method: clinical testing. Allele origin: germline. Not counted in ClinVar's aggregate classification.
Comment: For these reasons, this variant has been classified as Pathogenic. This variant has not been reported in the literature in individuals affected with GAMT-related conditions. This variant is not present in population databases (ExAC no frequency). This sequence change creates a premature translational stop signal (p.Trp144*) in the GAMT gene. It is expected to result in an absent or disrupted protein product. Loss-of-function variants in GAMT are known to be pathogenic (PMID: 15108290).

Literature cited by the submitters: PubMed 15108290 (cited by Labcorp Genetics (formerly Invitae), Labcorp).

NM_000156.6(GAMT):c.432G>A (p.Trp144Ter)

Gene: GAMT (guanidinoacetate N-methyltransferase; minus strand). Cytogenetic location: 19p13.3.
Variant type: single nucleotide variant.
Coding change: c.432G>A on transcript NM_000156.6 (MANE Select); coding-DNA position 432, G replaced by A.
Protein change: p.Trp144Ter; replaces tryptophan 144 with a stop codon.
Molecular consequence: nonsense.
Genome position (GRCh38, 1-based): chr19:1,399,155, C>T on the plus strand (G>A on the coding strand, the complement: GAMT is on the minus strand). VCF-style: chr19-1399155-C-T. GRCh37 (hg19) VCF-style: chr19-1399154-C-T.
Other names: NM_000156.6(GAMT):c.432G>A; p.Trp144Ter; c.432G>A, p.Trp144Ter (NM_138924.3); short protein forms W144*.
Identifiers: ClinVar variation 1391239 (VCV001391239.7), dbSNP rs1600158570, ClinGen allele CA402995151.